The following is an entry in ClinVar:

ClinVar aggregate classification (germline): Uncertain significance (1 of 4 stars; one submission).

gnomAD v4.1: 4 of 1,613,970 alleles (0.00025%); highest among the groups gnomAD compares: Non-Finnish European, 0.00034%; no homozygotes.

Submission:

Labcorp Genetics (formerly Invitae), Labcorp
Classification: Uncertain significance. Last evaluated: 2025-04-30. Review status: criteria provided, single submitter. Criteria: Invitae Variant Classification Sherloc (09022015). Collection method: clinical testing. Allele origin: germline.
Comment: This sequence change replaces arginine, which is basic and polar, with tryptophan, which is neutral and slightly polar, at codon 648 of the RFWD3 protein (p.Arg648Trp). This variant is present in population databases (rs755874703, gnomAD 0.006%). This variant has not been reported in the literature in individuals affected with RFWD3-related conditions. An algorithm developed to predict the effect of missense changes on protein structure and function (PolyPhen-2) suggests that this variant is likely to be disruptive. In summary, the available evidence is currently insufficient to determine the role of this variant in disease. Therefore, it has been classified as a Variant of Uncertain Significance.

NM_018124.4(RFWD3):c.1942C>T (p.Arg648Trp)

Gene: RFWD3 (ring finger and WD repeat domain 3; minus strand). Cytogenetic location: 16q23.1.
Variant type: single nucleotide variant.
Coding change: c.1942C>T on transcript NM_018124.4 (MANE Select); coding-DNA position 1942, C replaced by T.
Protein change: p.Arg648Trp; replaces arginine 648 with tryptophan.
Molecular consequence: missense variant.
Genome position (GRCh38, 1-based): chr16:74,628,479, G>A on the plus strand (C>T on the coding strand, the complement: RFWD3 is on the minus strand). VCF-style: chr16-74628479-G-A. GRCh37 (hg19) VCF-style: chr16-74662377-G-A.
Other names: c.1942C>T, p.Arg648Trp (NM_001370534.1, NM_001370535.1); c.1765C>T, p.Arg589Trp (NM_001370536.1); c.1108C>T, p.Arg370Trp (NM_001370537.1, NM_001370539.1, NM_001370540.1 and 2 more transcripts); short protein forms R648W, R370W, R589W.
Identifiers: ClinVar variation 4765783 (VCV004765783.1).